The following is an entry in ClinVar:

NM_018129.4(PNPO):c.412C>T (p.Arg138Cys)

Gene: PNPO (pyridoxamine 5'-phosphate oxidase; plus strand). Cytogenetic location: 17q21.32.
Variant type: single nucleotide variant.
Coding change: c.412C>T on transcript NM_018129.4 (MANE Select); coding-DNA position 412, C replaced by T.
Protein change: p.Arg138Cys; replaces arginine 138 with cysteine.
Molecular consequence: missense variant.
Genome position (GRCh38, 1-based): chr17:47,945,607, C>T. VCF-style: chr17-47945607-C-T. GRCh37 (hg19) VCF-style: chr17-46022973-C-T.
Other names: short protein forms R138C.
Identifiers: ClinVar variation 2892339 (VCV002892339.5), dbSNP rs1310951750, ClinGen allele CA400058173.

ClinVar aggregate classification (germline): Pathogenic/Likely pathogenic. Review status: criteria provided, multiple submitters, no conflicts (2 of 4 stars). 3 submissions from 3 submitters: Pathogenic (1); Likely pathogenic (2). Last evaluated 2026-03-05.

Conditions:
Pyridoxal phosphate-responsive seizures (PNPOD). Also called: Pyridoxamine 5-Prime-Phosphate Oxidase Deficiency; Pyridoxine-5'-phosphate oxidase deficiency; Pyridoxal 5'-Phosphate (PLP)-Dependent Epilepsy; EPILEPTIC ENCEPHALOPATHY, NEONATAL, PNPO-RELATED; SEIZURES, PYRIDOXINE-RESISTANT, PLP-SENSITIVE. Identifiers: Orphanet 79096, MedGen C1864723, MONDO:0012407, OMIM 610090. Disease mechanism: loss of function.

Allele frequency attached by ClinVar (database versions not stated): gnomAD exomes below 0.00001.

Submissions (3):

Women's Health and Genetics/Laboratory Corporation of America, LabCorp
Classification: Likely pathogenic for Pyridoxal phosphate-responsive seizures. Last evaluated: 2026-03-05. Review status: criteria provided, single submitter. Criteria: LabCorp Variant Classification Summary - May 2015. Collection method: clinical testing. Allele origin: germline.
Comment: Variant summary: PNPO c.412C>T (p.Arg138Cys) results in a non-conservative amino acid change in the encoded protein sequence. Algorithms developed to predict the effect of missense changes on protein structure and function all suggest that this variant is likely to be disruptive. The variant allele was found at a frequency of 4e-06 in 251480 control chromosomes. The available data on variant occurrences in the general population are insufficient to allow any conclusion about variant significance. c.412C>T has been observed together with a pathogenic variant in a compound heterozygous individual affected with Pyridoxal 5'-Phosphate-Dependent Epilepsy (Jiao_2022). To our knowledge, no experimental evidence demonstrating an impact on protein function has been reported. However, a different variant affecting the same codon has been classified as pathogenic by our lab (c.413G>A, p.Arg138His), supporting the critical relevance of codon 138 to PNPO protein function. The following publication has been ascertained in the context of this evaluation (PMID: 35495162). ClinVar contains an entry for this variant (Variation ID: 2892339). Based on the evidence outlined above, the variant was classified as likely pathogenic.

3billion
Classification: Likely pathogenic for Pyridoxal phosphate-responsive seizures. Last evaluated: 2025-09-17. Review status: criteria provided, single submitter. Criteria: ACMG Guidelines, 2015. Collection method: clinical testing. Allele origin: germline. Affected: yes.
Comment: The variant is observed at an extremely low frequency in the gnomAD v4.1.0 dataset (total allele frequency: <0.001%). Predicted Consequence/Location: Missense variant In silico tool predictions suggest damaging effect of the variant on gene or gene product [REVEL: 0.88 (>=0.6, sensitivity 0.68 and specificity 0.92)]. The same nucleotide change resulting in the same amino acid change has been previously reported to be associated with PNPO-related disorder (ClinVar ID: VCV002892339 /PMID: 35495162). The variant has been reported to be in trans with a pathogenic variant as either compound heterozygous or homozygous in at least one similarly affected unrelated individual (PMID: 35495162). A different missense change at the same codon (p.Arg138His) has been reported as pathogenic/likely pathogenic with strong evidence (ClinVar ID: VCV000836375 /PMID: 36106796). Therefore, this variant is classified as Likely pathogenic according to the recommendation of ACMG/AMP guideline.

Labcorp Genetics (formerly Invitae), Labcorp
Classification: Pathogenic for Pyridoxal phosphate-responsive seizures. Last evaluated: 2024-12-22. Review status: criteria provided, single submitter. Criteria: Invitae Variant Classification Sherloc (09022015). Collection method: clinical testing. Allele origin: germline.
Comment: This sequence change replaces arginine, which is basic and polar, with cysteine, which is neutral and slightly polar, at codon 138 of the PNPO protein (p.Arg138Cys). This variant is present in population databases (no rsID available, gnomAD 0.0009%). This missense change has been observed in individual(s) with pyridoxal 5'-phosphate dependent epilepsy (PMID: 35495162). In at least one individual the data is consistent with being in trans (on the opposite chromosome) from a pathogenic variant. ClinVar contains an entry for this variant (Variation ID: 2892339). Invitae Evidence Modeling of protein sequence and biophysical properties (such as structural, functional, and spatial information, amino acid conservation, physicochemical variation, residue mobility, and thermodynamic stability) indicates that this missense variant is expected to disrupt PNPO protein function with a positive predictive value of 80%. This variant disrupts the p.Arg138 amino acid residue in PNPO. Other variant(s) that disrupt this residue have been determined to be pathogenic (PMID: 28349276). This suggests that this residue is clinically significant, and that variants that disrupt this residue are likely to be disease-causing. For these reasons, this variant has been classified as Pathogenic.

Literature cited by the submitters: PubMed 35495162 (cited by 3 submitters); PubMed 36106796 (cited by 3billion); PubMed 28349276 (cited by Labcorp Genetics (formerly Invitae), Labcorp).